The following is an entry in ClinVar:

NM_000038.6(APC):c.1715T>A (p.Leu572Ter)

Gene: APC (APC regulator of WNT signaling pathway; plus strand). Cytogenetic location: 5q22.2.
Variant type: single nucleotide variant.
Coding change: c.1715T>A on transcript NM_000038.6 (MANE Select); coding-DNA position 1715, T replaced by A.
Protein change: p.Leu572Ter; replaces leucine 572 with a stop codon.
Molecular consequence: nonsense.
Genome position (GRCh38, 1-based): chr5:112,828,944, T>A. VCF-style: chr5-112828944-T-A. GRCh37 (hg19) VCF-style: chr5-112164641-T-A.
Other names: c.1715T>A, p.Leu572Ter (NM_001127510.3, NM_001354895.2); c.1661T>A, p.Leu554Ter (NM_001127511.3); c.1769T>A, p.Leu590Ter (NM_001354896.2); c.1745T>A, p.Leu582Ter (NM_001354897.2); c.1640T>A, p.Leu547Ter (NM_001354898.2); c.1631T>A, p.Leu544Ter (NM_001354899.2); c.1592T>A, p.Leu531Ter (NM_001354900.2); c.1538T>A, p.Leu513Ter (NM_001354901.2); and 5 more; short protein forms L554*, L572*, L481*, L513*, L531*, L544*, L582*, L590*.
Identifiers: ClinVar variation 265376 (VCV000265376.2), dbSNP rs886039511, ClinGen allele CA10588382.
Genomic context (GRCh38, chr5:112,828,944, plus strand): 5'-CTTGGCGAGCAGATGTAAATAGTAAAAAGACGTTGCGAGAAGTTGGAAGTGTGAAAGCAT[T>A]GATGGAATGTGCTTTAGAAGTTAAAAAGGTACCTTTGAAAACATTTAGTACTATAATATG-3'

ClinVar aggregate classification (germline): Likely pathogenic (1 of 4 stars; one submission).

Submission:

GeneDx
Classification: Likely pathogenic. Last evaluated: 2016-04-25. Review status: criteria provided, single submitter. Criteria: GeneDx Variant Classification (06012015). Collection method: clinical testing. Allele origin: germline. Affected: yes.
Comment: This variant is denoted APC c.1715T>A at the cDNA level and p.Leu572Ter (L572X) at the protein level. The substitution creates a nonsense variant, which changes a Leucine to a premature stop codon (TTG>TAG), and is predicted to cause loss of normal protein function through either protein truncation or nonsense-mediated mRNA decay. This variant has been reported in at least one individual with a personal history of multiple colon polyps, suggestive of either Attenuated Familial Adenomatous Polyposis or Familial Adenomatous Polyposis (VandrovcovÃ¡ 2004). We considered this variant to be likely pathogenic.